The following is an entry in ClinVar:

ClinVar aggregate classification (germline): Likely benign. Review status: criteria provided, multiple submitters, no conflicts (2 of 4 stars). 7 submissions from 7 submitters: Likely benign (6). 1 of the submissions does not count toward it. Last evaluated 2025-11-24.

Conditions:
CDC14A-related disorder. Also called: CDC14A-related condition.

Allele frequency attached by ClinVar (database versions not stated): 1000 Genomes Project 30x 0.00016; 1000 Genomes Project 0.00020; ESP Exome Variant Server 0.00046; TOPMed 0.00068; ExAC 0.00100; gnomAD exomes 0.00104 and 0.00112; gnomAD 0.00116 and 0.00118.
gnomAD v4.1: 1,815 of 1,612,560 alleles (0.11%); highest among the groups gnomAD compares: Non-Finnish European, 0.13%; 2 homozygotes.

Submissions (7):

Labcorp Genetics (formerly Invitae), Labcorp
Classification: Likely benign. Last evaluated: 2025-11-24. Review status: criteria provided, single submitter. Criteria: Invitae Variant Classification Sherloc (09022015). Collection method: clinical testing. Allele origin: germline.

Blueprint Genetics
Classification: Likely benign. Last evaluated: 2024-11-17. Review status: criteria provided, single submitter. Criteria: ACMG Guidelines, 2015. Collection method: clinical testing. Allele origin: germline.

CeGaT Center for Human Genetics Tuebingen
Classification: Likely benign. Last evaluated: 2024-02-01. Review status: criteria provided, single submitter. Criteria: CeGaT Center For Human Genetics Tuebingen Variant Classification Criteria Version 2. Collection method: clinical testing. Allele origin: germline. Affected: yes. Observed: 1 variant allele.
Comment: CDC14A: BP4

GeneDx
Classification: Likely benign. Last evaluated: 2020-11-27. Review status: criteria provided, single submitter. Criteria: GeneDx Variant Classification Process June 2021. Collection method: clinical testing. Allele origin: germline. Affected: yes.

Laboratory for Molecular Medicine, Mass General Brigham Personalized Medicine
Classification: Likely benign. Last evaluated: 2017-08-23. Review status: criteria provided, single submitter. Criteria: LMM Criteria. Collection method: clinical testing. Allele origin: germline. Observed: 2 variant alleles.
Comment: p.Cys64Cys in exon 3 of CDC14A: This variant is not expected to have clinical si gnificance because it does not alter an amino acid residue and is not located wi thin the splice consensus sequence. It has been identified in 0.17% (112/66560) of European chromosomes by the Exome Aggregation Consortium (ExAC; dbSNP rs201731089).

Breakthrough Genomics
Classification: Likely benign. Review status: criteria provided, single submitter. Criteria: ACMG Guidelines, 2015. Collection method: not provided. Allele origin: germline. Inheritance: Autosomal recessive inheritance. Affected: yes.

PreventionGenetics, part of Exact Sciences
Classification: Likely benign for CDC14A-related condition. Last evaluated: 2019-06-13. Review status: no assertion criteria provided. Collection method: clinical testing. Allele origin: germline. Not counted in ClinVar's aggregate classification.
Comment: This variant is classified as likely benign based on ACMG/AMP sequence variant interpretation guidelines (Richards et al. 2015 PMID: 25741868, with internal and published modifications).

NM_003672.4(CDC14A):c.192C>T (p.Cys64=)

Gene: CDC14A (cell division cycle 14A; plus strand). Cytogenetic location: 1p21.2.
Variant type: single nucleotide variant.
Coding change: c.192C>T on transcript NM_003672.4 (MANE Select); coding-DNA position 192, C replaced by T.
Protein change: p.Cys64=; no amino-acid change (cysteine 64 retained).
Molecular consequence: synonymous variant. On other transcripts: 5 prime UTR variant (1).
Genome position (GRCh38, 1-based): chr1:100,377,597, C>T. VCF-style: chr1-100377597-C-T. GRCh37 (hg19) VCF-style: chr1-100843153-C-T.
Other names: c.192C>T, p.Cys64= (NM_001319210.2, NM_033312.3, NM_033313.3); c.18C>T, p.Cys6= (NM_001319211.2); c.-600C>T (NM_001319212.2).
Identifiers: ClinVar variation 517571 (VCV000517571.40), dbSNP rs201731089, ClinGen allele CA970456.